The following is an entry in ClinVar:

NM_000108.5(DLD):c.529A>T (p.Lys177Ter)

Gene: DLD (dihydrolipoamide dehydrogenase; plus strand). Cytogenetic location: 7q31.1.
Variant type: single nucleotide variant.
Coding change: c.529A>T on transcript NM_000108.5 (MANE Select); coding-DNA position 529, A replaced by T.
Protein change: p.Lys177Ter; replaces lysine 177 with a stop codon.
Molecular consequence: nonsense. On other transcripts: intron variant (1).
Genome position (GRCh38, 1-based): chr7:107,905,451, A>T. VCF-style: chr7-107905451-A-T. GRCh37 (hg19) VCF-style: chr7-107545896-A-T.
Other names: c.232A>T, p.Lys78Ter (NM_001289750.1); c.460A>T, p.Lys154Ter (NM_001289751.1); c.438+393A>T (NM_001289752.1); short protein forms K177*, K154*, K78*.
Identifiers: ClinVar variation 2793857 (VCV002793857.3), dbSNP rs2031982524, ClinGen allele CA368855605.

ClinVar aggregate classification (germline): Pathogenic (1 of 4 stars; one submission).

Conditions:
Pyruvate dehydrogenase E3 deficiency (DLDD). Also called: Lipoamide dehydrogenase deficiency; Dihydrolipoamide Dehydrogenase (E3) Deficiency; MAPLE SYRUP URINE DISEASE, TYPE III; Dihydrolipoamide Dehydrogenase Deficiency; DLD DEFICIENCY; E3 DEFICIENCY. Identifiers: Orphanet 2394, Orphanet 765, MedGen C5574660, MONDO:0009529, OMIM 246900.

gnomAD v4.1: 1 of 1,613,872 alleles (0.000062%); highest among the groups gnomAD compares: Non-Finnish European, 0.000085%; no homozygotes.

Submission:

Labcorp Genetics (formerly Invitae), Labcorp
Classification: Pathogenic for Pyruvate dehydrogenase E3 deficiency. Last evaluated: 2023-08-02. Review status: criteria provided, single submitter. Criteria: Invitae Variant Classification Sherloc (09022015). Collection method: clinical testing. Allele origin: germline.
Comment: Algorithms developed to predict the effect of sequence changes on RNA splicing suggest that this variant may disrupt the consensus splice site. This variant has not been reported in the literature in individuals affected with DLD-related conditions. This variant is not present in population databases (gnomAD no frequency). This sequence change creates a premature translational stop signal (p.Lys177*) in the DLD gene. It is expected to result in an absent or disrupted protein product. Loss-of-function variants in DLD are known to be pathogenic (PMID: 8968745, 9934985). For these reasons, this variant has been classified as Pathogenic.

Literature cited by the submitters: PubMed 8968745; PubMed 9934985.